The following is an entry in ClinVar:

NM_198253.3(TERT):c.482T>C (p.Leu161Pro)

Gene: TERT (telomerase reverse transcriptase; minus strand). Cytogenetic location: 5p15.33.
Variant type: single nucleotide variant.
Coding change: c.482T>C on transcript NM_198253.3 (MANE Select); coding-DNA position 482, T replaced by C.
Protein change: p.Leu161Pro; replaces leucine 161 with proline.
Molecular consequence: missense variant. On other transcripts: non-coding transcript variant (2).
Genome position (GRCh38, 1-based): chr5:1,294,404, A>G on the plus strand (T>C on the coding strand, the complement: TERT is on the minus strand). VCF-style: chr5-1294404-A-G. GRCh37 (hg19) VCF-style: chr5-1294519-A-G.
Other names: c.482T>C, p.Leu161Pro (NM_001193376.3, NM_003219.1); short protein forms L161P.
Identifiers: ClinVar variation 2951503 (VCV002951503.4), dbSNP rs2478426947, ClinGen allele CA359057940.

ClinVar aggregate classification (germline): Uncertain significance. Review status: criteria provided, multiple submitters, no conflicts (2 of 4 stars). 2 submissions from 2 submitters: Uncertain significance (2). Last evaluated 2026-02-03.

Conditions:
Dyskeratosis congenita. Identifiers: Orphanet 1775, MedGen C0265965, MONDO:0015780.
Dyskeratosis congenita, autosomal dominant 2. Identifiers: MedGen C3151443, MONDO:0013521, OMIM 613989.
Idiopathic Pulmonary Fibrosis. Also called: Idiopathic fibrosing alveolitis, chronic form; idiopathic fibrosing alveolitis. Identifiers: Orphanet 2032, MedGen C1800706, MeSH D054990, MONDO:0800504.

gnomAD v4.1: 1 of 1,587,346 alleles (0.000063%); highest among the groups gnomAD compares: Non-Finnish European, 0.000085%; no homozygotes.

Submissions (2):

Ambry Genetics
Classification: Uncertain significance for Dyskeratosis congenita. Last evaluated: 2026-02-03. Review status: criteria provided, single submitter. Criteria: Ambry Variant Classification Scheme 2023. Collection method: clinical testing. Allele origin: germline.
Comment: The p.L161P variant (also known as c.482T>C), located in coding exon 2 of the TERT gene, results from a T to C substitution at nucleotide position 482. The leucine at codon 161 is replaced by proline, an amino acid with similar properties. This amino acid position is well conserved in available vertebrate species. In addition, this alteration is predicted to be deleterious by in silico analysis. Based on the available evidence, the clinical significance of this variant remains unclear.

Labcorp Genetics (formerly Invitae), Labcorp
Classification: Uncertain significance for Dyskeratosis congenita, autosomal dominant 2; Idiopathic Pulmonary Fibrosis. Last evaluated: 2023-09-01. Review status: criteria provided, single submitter. Criteria: Invitae Variant Classification Sherloc (09022015). Collection method: clinical testing. Allele origin: germline.
Comment: This variant is not present in population databases (gnomAD no frequency). This sequence change replaces leucine, which is neutral and non-polar, with proline, which is neutral and non-polar, at codon 161 of the TERT protein (p.Leu161Pro). This variant has not been reported in the literature in individuals affected with TERT-related conditions. In summary, the available evidence is currently insufficient to determine the role of this variant in disease. Therefore, it has been classified as a Variant of Uncertain Significance. Advanced modeling of protein sequence and biophysical properties (such as structural, functional, and spatial information, amino acid conservation, physicochemical variation, residue mobility, and thermodynamic stability) performed at Invitae indicates that this missense variant is expected to disrupt TERT protein function.